The following is an entry in ClinVar:

NM_024570.4(RNASEH2B):c.173A>G (p.Gln58Arg)

Gene: RNASEH2B (ribonuclease H2 subunit B; plus strand). Cytogenetic location: 13q14.3.
Variant type: single nucleotide variant.
Coding change: c.173A>G on transcript NM_024570.4 (MANE Select); coding-DNA position 173, A replaced by G.
Protein change: p.Gln58Arg; replaces glutamine 58 with arginine.
Molecular consequence: missense variant.
Genome position (GRCh38, 1-based): chr13:50,929,511, A>G. VCF-style: chr13-50929511-A-G. GRCh37 (hg19) VCF-style: chr13-51503647-A-G.
Other names: c.173A>G, p.Gln58Arg (NM_001142279.2); short protein forms Q58R.
Identifiers: ClinVar variation 1373362 (VCV001373362.3), dbSNP rs759251667, ClinGen allele CA6985479.

ClinVar aggregate classification (germline): Uncertain significance (1 of 4 stars; one submission).

Conditions:
Aicardi-Goutieres syndrome 2. Identifiers: Orphanet 51, MedGen C3489724, MONDO:0012429, OMIM 610181.

Allele frequency attached by ClinVar (database versions not stated): gnomAD 0.00001 and 0.00002; gnomAD exomes 0.00002 and 0.00012; TOPMed 0.00006; ExAC 0.00014.
gnomAD v4.1: 40 of 1,613,798 alleles (0.0025%); highest among the groups gnomAD compares: East Asian, 0.08%; no homozygotes.

Submission:

Labcorp Genetics (formerly Invitae), Labcorp
Classification: Uncertain significance for Aicardi-Goutieres syndrome 2. Last evaluated: 2022-06-15. Review status: criteria provided, single submitter. Criteria: Invitae Variant Classification Sherloc (09022015). Collection method: clinical testing. Allele origin: germline.
Comment: This sequence change replaces glutamine, which is neutral and polar, with arginine, which is basic and polar, at codon 58 of the RNASEH2B protein (p.Gln58Arg). This variant is present in population databases (rs759251667, gnomAD 0.1%). This variant has not been reported in the literature in individuals affected with RNASEH2B-related conditions. Algorithms developed to predict the effect of missense changes on protein structure and function (SIFT, PolyPhen-2, Align-GVGD) all suggest that this variant is likely to be tolerated. Algorithms developed to predict the effect of sequence changes on RNA splicing suggest that this variant may disrupt the consensus splice site. In summary, the available evidence is currently insufficient to determine the role of this variant in disease. Therefore, it has been classified as a Variant of Uncertain Significance.